The following is an entry in ClinVar:

NM_153240.5(NPHP3):c.-49G>A

Genes: NPHP3 (nephrocystin 3; minus strand), NPHP3-ACAD11 (NPHP3-ACAD11 readthrough (NMD candidate); minus strand), NPHP3-AS1 (NPHP3 antisense RNA 1; plus strand). Cytogenetic location: 3q22.1.
Variant type: single nucleotide variant.
Coding change: c.-49G>A on transcript NM_153240.5 (MANE Select); 49 bases upstream of the start codon, G replaced by A.
Molecular consequence: 5 prime UTR variant. On other transcripts: non-coding transcript variant (1).
Genome position (GRCh38, 1-based): chr3:132,722,404, C>T on the plus strand (G>A on the coding strand, the complement: NPHP3 is on the minus strand). VCF-style: chr3-132722404-C-T. GRCh37 (hg19) VCF-style: chr3-132441248-C-T.
Identifiers: ClinVar variation 682220 (VCV000682220.2), dbSNP rs28460105, ClinGen allele CA83611350.

ClinVar aggregate classification (germline): Likely benign. Review status: criteria provided, multiple submitters, no conflicts (2 of 4 stars). 2 submissions from 2 submitters: Likely benign (2). Last evaluated 2025-03-27.

Conditions:
NPHP3-related disorder. Also called: NPHP3-related condition; NPHP3-related disorders. Identifiers: MedGen CN379163.

Allele frequency attached by ClinVar (database versions not stated): gnomAD exomes 0.00002 and 0.00004; gnomAD 0.00012 and 0.00013; 1000 Genomes Project 0.00020.

Submissions (2):

PreventionGenetics, part of Exact Sciences
Classification: Likely benign for NPHP3-related condition. Last evaluated: 2025-03-27. Review status: criteria provided, single submitter. Criteria: ACMG Guidelines, 2015. Collection method: clinical testing. Allele origin: germline.
Comment: This variant is classified as likely benign based on ACMG/AMP sequence variant interpretation guidelines (Richards et al. 2015 PMID: 25741868, with internal and published modifications).

GeneDx
Classification: Likely benign. Last evaluated: 2018-04-19. Review status: criteria provided, single submitter. Criteria: GeneDx Variant Classification (06012015). Collection method: clinical testing. Allele origin: germline. Affected: yes.
Comment: This variant is considered likely benign or benign based on one or more of the following criteria: it is a conservative change, it occurs at a poorly conserved position in the protein, it is predicted to be benign by multiple in silico algorithms, and/or has population frequency not consistent with disease.